The following is an entry in ClinVar:

ClinVar aggregate classification (germline): Uncertain significance. Review status: criteria provided, multiple submitters, no conflicts (2 of 4 stars). 2 submissions from 2 submitters: Uncertain significance (2). Last evaluated 2025-09-24.

Conditions:
Familial thoracic aortic aneurysm and aortic dissection (TAAD). Also called: Thoracic aortic aneurysms and dissections. Identifiers: Orphanet 91387, MedGen C4707243, MONDO:0019625.

Allele frequency attached by ClinVar (database versions not stated): ESP Exome Variant Server 0.00008.
gnomAD v4.1: 14 of 1,597,138 alleles (0.00088%); highest among the groups gnomAD compares: Non-Finnish European, 0.0012%; no homozygotes.

Submissions (2):

Labcorp Genetics (formerly Invitae), Labcorp
Classification: Uncertain significance. Last evaluated: 2025-09-24. Review status: criteria provided, single submitter. Criteria: Invitae Variant Classification Sherloc (09022015). Collection method: clinical testing. Allele origin: germline.
Comment: This sequence change replaces arginine, which is basic and polar, with serine, which is neutral and polar, at codon 98 of the LOX protein (p.Arg98Ser). The frequency data for this variant in the population databases is considered unreliable, as metrics indicate poor data quality at this position in the gnomAD database. This missense change has been observed in individual(s) with thoracic aortic aneurysm and dissection (internal data). ClinVar contains an entry for this variant (Variation ID: 2691195). Invitae Evidence Modeling of protein sequence and biophysical properties (such as structural, functional, and spatial information, amino acid conservation, physicochemical variation, residue mobility, and thermodynamic stability) indicates that this missense variant is not expected to disrupt LOX protein function with a negative predictive value of 95%. In summary, the available evidence is currently insufficient to determine the role of this variant in disease. Therefore, it has been classified as a Variant of Uncertain Significance.

CHEO Genetics Diagnostic Laboratory, Children's Hospital of Eastern Ontario
Classification: Uncertain significance for Familial thoracic aortic aneurysm and aortic dissection. Last evaluated: 2023-04-03. Review status: criteria provided, single submitter. Criteria: ACMG Guidelines, 2015. Collection method: clinical testing. Allele origin: germline.

NM_002317.7(LOX):c.292C>A (p.Arg98Ser)

Genes: LOX (lysyl oxidase; minus strand), SRFBP1 (serum response factor binding protein 1; plus strand). Cytogenetic location: 5q23.1.
Variant type: single nucleotide variant.
Coding change: c.292C>A on transcript NM_002317.7 (MANE Select); coding-DNA position 292, C replaced by A.
Protein change: p.Arg98Ser; replaces arginine 98 with serine.
Molecular consequence: missense variant.
Genome position (GRCh38, 1-based): chr5:122,077,694, G>T on the plus strand (C>A on the coding strand, the complement: LOX is on the minus strand). VCF-style: chr5-122077694-G-T. GRCh37 (hg19) VCF-style: chr5-121413389-G-T.
Other names: short protein forms R98S.
Identifiers: ClinVar variation 2691195 (VCV002691195.4), dbSNP rs199790528, ClinGen allele CA3384075.
Genomic context (GRCh38, chr5:122,077,694, plus strand): 5'-TGGGGCGGCCAGCGGTGACTCCAGATGAGCCGGCCGTCCGCGTTCGCGCCGCGGCGGTGC[G>T]GTTGTCGCGGATCAGCAGGATCGGAGTGCGGGGCTGCTGGGCGGAGGCGTTGGCTGCACC-3'
Protein context (NP_002308.2, residues 88-108): RTPILLIRDN[Arg98Ser]TAAARTRTAG